The following is an entry in ClinVar:

ClinVar aggregate classification (germline): Uncertain significance (1 of 4 stars; one submission).

Submission:

Labcorp Genetics (formerly Invitae), Labcorp
Classification: Uncertain significance. Last evaluated: 2025-06-17. Review status: criteria provided, single submitter. Criteria: Invitae Variant Classification Sherloc (09022015). Collection method: clinical testing. Allele origin: germline.
Comment: This sequence change replaces alanine, which is neutral and non-polar, with valine, which is neutral and non-polar, at codon 116 of the ABCA4 protein (p.Ala116Val). This variant is not present in population databases (gnomAD no frequency). This variant has not been reported in the literature in individuals affected with ABCA4-related conditions. Invitae Evidence Modeling of protein sequence and biophysical properties (such as structural, functional, and spatial information, amino acid conservation, physicochemical variation, residue mobility, and thermodynamic stability) has been performed for this missense variant. However, the output from this modeling did not meet the statistical confidence thresholds required to predict the impact of this variant on ABCA4 protein function. In summary, the available evidence is currently insufficient to determine the role of this variant in disease. Therefore, it has been classified as a Variant of Uncertain Significance.

NM_000350.3(ABCA4):c.347C>T (p.Ala116Val)

Gene: ABCA4 (ATP binding cassette subfamily A member 4; minus strand). Cytogenetic location: 1p22.1.
Variant type: single nucleotide variant.
Coding change: c.347C>T on transcript NM_000350.3 (MANE Select); coding-DNA position 347, C replaced by T.
Protein change: p.Ala116Val; replaces alanine 116 with valine.
Molecular consequence: missense variant.
Genome position (GRCh38, 1-based): chr1:94,108,672, G>A on the plus strand (C>T on the coding strand, the complement: ABCA4 is on the minus strand). VCF-style: chr1-94108672-G-A. GRCh37 (hg19) VCF-style: chr1-94574228-G-A.
Other names: c.347C>T, p.Ala116Val (NM_001425324.1); short protein forms A116V.
Identifiers: ClinVar variation 4799728 (VCV004799728.1).